The following is an entry in ClinVar:

ClinVar aggregate classification (germline): Uncertain significance. Review status: criteria provided, multiple submitters, no conflicts (2 of 4 stars). 2 submissions from 2 submitters: Uncertain significance (2). Last evaluated 2025-09-02.

Conditions:
Gorlin syndrome. Also called: Nevoid Basal Cell Carcinoma Syndrome; Basal cell nevus syndrome. Identifiers: Orphanet 377, MedGen C0004779, MONDO:0007187.
Hereditary cancer-predisposing syndrome. Also called: Hereditary neoplastic syndrome; Neoplastic Syndromes, Hereditary; Tumor predisposition; Hereditary Cancer Syndrome. Identifiers: Orphanet 140162, MedGen C0027672, MeSH D009386, MONDO:0015356.

Allele frequency attached by ClinVar (database versions not stated): gnomAD exomes 0.00001; gnomAD 0.00002; TOPMed 0.00002.
gnomAD v4.1: 11 of 1,613,988 alleles (0.00068%); highest among the groups gnomAD compares: African/African-American, 0.0027%; no homozygotes.

Submissions (2):

Labcorp Genetics (formerly Invitae), Labcorp
Classification: Uncertain significance for Gorlin syndrome. Last evaluated: 2025-09-02. Review status: criteria provided, single submitter. Criteria: Invitae Variant Classification Sherloc (09022015). Collection method: clinical testing. Allele origin: germline.
Comment: This sequence change replaces lysine, which is basic and polar, with glutamic acid, which is acidic and polar, at codon 750 of the PTCH1 protein (p.Lys750Glu). This variant is present in population databases (no rsID available, gnomAD 0.01%). This variant has not been reported in the literature in individuals affected with PTCH1-related conditions. ClinVar contains an entry for this variant (Variation ID: 1040803). Invitae Evidence Modeling of protein sequence and biophysical properties (such as structural, functional, and spatial information, amino acid conservation, physicochemical variation, residue mobility, and thermodynamic stability) has been performed for this missense variant. However, the output from this modeling did not meet the statistical confidence thresholds required to predict the impact of this variant on PTCH1 protein function. In summary, the available evidence is currently insufficient to determine the role of this variant in disease. Therefore, it has been classified as a Variant of Uncertain Significance.

Ambry Genetics
Classification: Uncertain significance for Hereditary cancer-predisposing syndrome. Last evaluated: 2024-04-15. Review status: criteria provided, single submitter. Criteria: Ambry Variant Classification Scheme 2023. Collection method: clinical testing. Allele origin: germline.
Comment: The p.K750E variant (also known as c.2248A>G), located in coding exon 14 of the PTCH1 gene, results from an A to G substitution at nucleotide position 2248. The lysine at codon 750 is replaced by glutamic acid, an amino acid with similar properties. This amino acid position is highly conserved in available vertebrate species. In addition, this alteration is predicted to be deleterious by in silico analysis. Since supporting evidence is limited at this time, the clinical significance of this alteration remains unclear.

NM_000264.5(PTCH1):c.2248A>G (p.Lys750Glu)

Genes: PTCH1 (patched 1; minus strand), LOC100507346 (uncharacterized LOC100507346; plus strand). Cytogenetic location: 9q22.32.
Variant type: single nucleotide variant.
Coding change: c.2248A>G on transcript NM_000264.5 (MANE Select); coding-DNA position 2248, A replaced by G.
Protein change: p.Lys750Glu; replaces lysine 750 with glutamic acid.
Molecular consequence: missense variant. On other transcripts: non-coding transcript variant (2).
Genome position (GRCh38, 1-based): chr9:95,468,753, T>C on the plus strand (A>G on the coding strand, the complement: PTCH1 is on the minus strand). VCF-style: chr9-95468753-T-C. GRCh37 (hg19) VCF-style: chr9-98231035-T-C.
Other names: c.2050A>G, p.Lys684Glu (NM_001083602.3); c.2245A>G, p.Lys749Glu (NM_001083603.3); c.1795A>G, p.Lys599Glu (NM_001083604.3, NM_001083605.3, NM_001083606.3 and 1 more transcripts); c.2092A>G, p.Lys698Glu (NM_001354918.2); short protein forms K684E, K698E, K750E, K749E, K599E.
Identifiers: ClinVar variation 1040803 (VCV001040803.12), dbSNP rs1239869539, ClinGen allele CA374115189.